The following is an entry in ClinVar:

ClinVar aggregate classification (germline): Uncertain significance (1 of 4 stars; one submission).

Conditions:
GATA3-related disorder. Also called: GATA3-related condition.

gnomAD v4.1: 1 of 1,614,114 alleles (0.000062%); highest among the groups gnomAD compares: Non-Finnish European, 0.000085%; no homozygotes.

Submission:

PreventionGenetics, part of Exact Sciences
Classification: Uncertain significance for GATA3-related condition. Last evaluated: 2026-01-03. Review status: criteria provided, single submitter. Criteria: ACMG Guidelines, 2015. Collection method: clinical testing. Allele origin: germline.
Comment: The GATA3 c.1247T>C variant is predicted to result in the amino acid substitution p.Met416Thr. To our knowledge, this variant has not been reported in the literature or in a large population database (gnomAD), indicating this variant is rare. At this time, the clinical significance of this variant is uncertain due to the absence of conclusive functional and genetic evidence.

NM_001002295.2(GATA3):c.1247T>C (p.Met416Thr)

Gene: GATA3 (GATA binding protein 3; plus strand). Cytogenetic location: 10p14.
Variant type: single nucleotide variant.
Coding change: c.1247T>C on transcript NM_001002295.2 (MANE Select); coding-DNA position 1247, T replaced by C.
Protein change: p.Met416Thr; replaces methionine 416 with threonine.
Molecular consequence: missense variant. On other transcripts: 3 prime UTR variant (6).
Genome position (GRCh38, 1-based): chr10:8,073,935, T>C. VCF-style: chr10-8073935-T-C. GRCh37 (hg19) VCF-style: chr10-8115898-T-C.
Other names: c.1247T>C, p.Met416Thr (NM_001441115.1, NM_001441116.1, NM_001441117.1 and 6 more transcripts); c.1244T>C, p.Met415Thr (NM_001441124.1, NM_001441125.1, NM_001441126.1 and 3 more transcripts); c.*135T>C (NM_001441129.1, NM_001441130.1, NM_001441131.1 and 2 more transcripts); c.*192T>C (NM_001441134.1); c.368T>C, p.Met123Thr (NM_001441135.1); short protein forms M123T, M415T, M416T.
Identifiers: ClinVar variation 4982003 (VCV004982003.1).